The following is an entry in ClinVar:

NM_001384474.1(LOXHD1):c.6492T>G (p.Tyr2164Ter)

Gene: LOXHD1 (lipoxygenase homology PLAT domains 1; minus strand). Cytogenetic location: 18q21.1.
Variant type: single nucleotide variant.
Coding change: c.6492T>G on transcript NM_001384474.1 (MANE Select); coding-DNA position 6492, T replaced by G.
Protein change: p.Tyr2164Ter; replaces tyrosine 2164 with a stop codon.
Molecular consequence: nonsense.
Genome position (GRCh38, 1-based): chr18:46,477,802, A>C on the plus strand (T>G on the coding strand, the complement: LOXHD1 is on the minus strand). VCF-style: chr18-46477802-A-C. GRCh37 (hg19) VCF-style: chr18-44057765-A-C.
Other names: c.3159T>G, p.Tyr1053Ter (NM_001145472.3); c.1209T>G, p.Tyr403Ter (NM_001145473.3, NM_001173129.2); c.2871T>G, p.Tyr957Ter (NM_001308013.2); c.6306T>G, p.Tyr2102Ter (NM_144612.7); short protein forms Y1053*, Y2102*, Y2164*, Y403*, Y957*.
Identifiers: ClinVar variation 1076394 (VCV001076394.12), dbSNP rs1434725624, ClinGen allele CA402362807.

ClinVar aggregate classification (germline): Pathogenic/Likely pathogenic. Review status: criteria provided, multiple submitters, no conflicts (2 of 4 stars). 4 submissions from 4 submitters: Pathogenic (1); Likely pathogenic (3). Last evaluated 2025-05-28.

Conditions:
Autosomal recessive nonsyndromic hearing loss 77. Identifiers: Orphanet 90636, MedGen C2746083, MONDO:0013119, OMIM 613079.

Allele frequency attached by ClinVar (database versions not stated): gnomAD exomes below 0.00001; TOPMed below 0.00001.
gnomAD v4.1: 4 of 1,551,852 alleles (0.00026%); highest among the groups gnomAD compares: Non-Finnish European, 0.00035%; no homozygotes.

Submissions (4):

Labcorp Genetics (formerly Invitae), Labcorp
Classification: Pathogenic. Last evaluated: 2025-05-28. Review status: criteria provided, single submitter. Criteria: Invitae Variant Classification Sherloc (09022015). Collection method: clinical testing. Allele origin: germline.
Comment: This sequence change creates a premature translational stop signal (p.Tyr2102*) in the LOXHD1 gene. While this is not anticipated to result in nonsense mediated decay, it is expected to disrupt the last 110 amino acid(s) of the LOXHD1 protein. This variant is not present in population databases (gnomAD no frequency). This premature translational stop signal has been observed in individual(s) with deafness (PMID: 34171171). ClinVar contains an entry for this variant (Variation ID: 1076394). This variant disrupts a region of the LOXHD1 protein in which other variant(s) (p.Ala2106Glnfs*9) have been determined to be pathogenic (internal data). This suggests that this is a clinically significant region of the protein, and that variants that disrupt it are likely to be disease-causing. For these reasons, this variant has been classified as Pathogenic.

GeneDx
Classification: Likely pathogenic. Last evaluated: 2024-03-20. Review status: criteria provided, single submitter. Criteria: GeneDx Variant Classification Process June 2021. Collection method: clinical testing. Allele origin: germline. Affected: yes.
Comment: Nonsense variant predicted to result in protein truncation, as the last 110 amino acids are lost, and other loss-of-function variants have been reported downstream in HGMD; Not observed at significant frequency in large population cohorts (gnomAD); This variant is associated with the following publications: (PMID: 33879512, 34171171)

Fulgent Genetics
Classification: Likely pathogenic for Autosomal recessive nonsyndromic hearing loss 77. Last evaluated: 2024-02-07. Review status: criteria provided, single submitter. Criteria: ACMG Guidelines, 2015. Collection method: clinical testing. Allele origin: germline.

Victorian Clinical Genetics Services, Murdoch Childrens Research Institute
Classification: Likely pathogenic for Autosomal recessive nonsyndromic hearing loss 77. Last evaluated: 2022-02-02. Review status: criteria provided, single submitter. Criteria: ACMG Guidelines, 2015. Collection method: clinical testing. Allele origin: germline. Inheritance: Autosomal recessive inheritance. Affected: yes.
Comment: Based on the classification scheme VCGS_Germline_v1.3.4, this variant is classified as Likely Pathogenic Following criteria are met: 0102 - Loss of function is a known mechanism of disease in this gene and is associated with deafness, autosomal recessive 77 (MIM#613079). (I) 0106 - This gene is associated with autosomal recessive disease. (I) 0205 - Variant is predicted to result in a truncated protein (premature termination codon is NOT located at least 54 nucleotides upstream of the final exon-exon junction) with less than 1/3 of the protein sequence affected. (SP) 0251 - This variant is heterozygous. (I) 0301 - Variant is absent from gnomAD (both v2 and v3). (SP) 0704 - Another downstream truncating variant comparable to the one identified in this case has limited previous evidence for pathogenicity. The comparable downstream truncating variant has been classified as likely pathogenic in ClinVar. In addition, a recurrent missent variant p.(Gly2118Glu) has been reported in multiple individuals with hearing loss (PMID: 29676012). (SP) 0807 - This variant has no previous evidence of pathogenicity. (I) 0905 - No published segregation evidence has been identified for this variant. (I) 1007 - No published functional evidence has been identified for this variant. (I) 1208 - Inheritance information for this variant is not currently available in this individual. (I) Legend: (SP) - Supporting pathogenic, (I) - Information, (SB) - Supporting benign

Literature cited by the submitters: PubMed 34171171 (cited by Labcorp Genetics (formerly Invitae), Labcorp); PubMed 29676012 (cited by Victorian Clinical Genetics Services, Murdoch Childrens Research Institute).